The following is an entry in ClinVar:

NM_000501.4(ELN):c.82+169C>A

Gene: ELN (elastin; plus strand). Cytogenetic location: 7q11.23.
Variant type: single nucleotide variant.
Coding change: c.82+169C>A on transcript NM_000501.4 (MANE Select); 169 bases into the intron after coding-DNA position 82, C replaced by A.
Molecular consequence: intron variant.
Genome position (GRCh38, 1-based): chr7:74,028,438, C>A. VCF-style: chr7-74028438-C-A. GRCh37 (hg19) VCF-style: chr7-73442768-C-A.
Other names: c.82+169C>A (NM_001081754.3, NM_001081753.3, NM_001278939.2 and 9 more transcripts).
Identifiers: ClinVar variation 679839 (VCV000679839.1), dbSNP rs143319334, ClinGen allele CA160117770.
Genomic context (GRCh38, chr7:74,028,438, plus strand): 5'-GTCCCAGGTGGGAGCCCCTCAGCCACTGGGTCCTCGGAACTGCCCCTCCCAGGAGCCAGC[C>A]CCGTGCCCAGGAGGAACCTGTCAAAGAGACACCCTCGACTCAGAATAGTCCCAGCCCAGC-3'

ClinVar aggregate classification (germline): Likely benign (1 of 4 stars; one submission).

Allele frequency attached by ClinVar (database versions not stated): 1000 Genomes Project 30x 0.00156; 1000 Genomes Project 0.00180; TOPMed 0.00465; gnomAD 0.00581 and 0.00624.
gnomAD v4.1: 897 of 152,312 alleles (0.59%); highest among the groups gnomAD compares: Non-Finnish European, 0.82%; 5 homozygotes.

Submission:

GeneDx
Classification: Likely benign. Last evaluated: 2018-06-14. Review status: criteria provided, single submitter. Criteria: GeneDx Variant Classification (06012015). Collection method: clinical testing. Allele origin: germline. Affected: yes.
Comment: This variant is considered likely benign or benign based on one or more of the following criteria: it is a conservative change, it occurs at a poorly conserved position in the protein, it is predicted to be benign by multiple in silico algorithms, and/or has population frequency not consistent with disease.